The following is an entry in ClinVar:

NM_018706.7(DHTKD1):c.847A>T (p.Met283Leu)

Gene: DHTKD1 (dehydrogenase E1 and transketolase domain containing 1; plus strand). Cytogenetic location: 10p14.
Variant type: single nucleotide variant.
Coding change: c.847A>T on transcript NM_018706.7 (MANE Select); coding-DNA position 847, A replaced by T.
Protein change: p.Met283Leu; replaces methionine 283 with leucine.
Molecular consequence: missense variant.
Genome position (GRCh38, 1-based): chr10:12,089,115, A>T. VCF-style: chr10-12089115-A-T. GRCh37 (hg19) VCF-style: chr10-12131114-A-T.
Other names: short protein forms M283L.
Identifiers: ClinVar variation 1717565 (VCV001717565.6), dbSNP rs145337285, ClinGen allele CA376018630.

ClinVar aggregate classification (germline): Uncertain significance (1 of 4 stars; one submission).

Conditions:
2-aminoadipic 2-oxoadipic aciduria (AAKAD). Also called: Aminoadipic aciduria; ALPHA-AMINOADIPIC AND ALPHA-KETOADIPIC ACIDURIA. Identifiers: Orphanet 79154, MedGen C1859817, MONDO:0008774, OMIM 204750.

gnomAD v4.1: 2 of 1,614,082 alleles (0.00012%); highest among the groups gnomAD compares: East Asian, 0.0022%; no homozygotes.

Submission:

Labcorp Genetics (formerly Invitae), Labcorp
Classification: Uncertain significance for 2-aminoadipic 2-oxoadipic aciduria. Last evaluated: 2022-08-22. Review status: criteria provided, single submitter. Criteria: Invitae Variant Classification Sherloc (09022015). Collection method: clinical testing. Allele origin: germline.
Comment: This sequence change replaces methionine, which is neutral and non-polar, with leucine, which is neutral and non-polar, at codon 283 of the DHTKD1 protein (p.Met283Leu). This variant is not present in population databases (gnomAD no frequency). This variant has not been reported in the literature in individuals affected with DHTKD1-related conditions. Algorithms developed to predict the effect of missense changes on protein structure and function output the following: SIFT: "Tolerated"; PolyPhen-2: "Benign"; Align-GVGD: "Class C0". The leucine amino acid residue is found in multiple mammalian species, which suggests that this missense change does not adversely affect protein function. In summary, the available evidence is currently insufficient to determine the role of this variant in disease. Therefore, it has been classified as a Variant of Uncertain Significance.